The following is an entry in ClinVar:

ClinVar aggregate classification (germline): Conflicting classifications of pathogenicity. Review status: criteria provided, conflicting classifications (1 of 4 stars). 10 submissions from 10 submitters: Pathogenic (2); Likely pathogenic (3); Uncertain significance (3). 2 of the submissions do not count toward it. Last evaluated 2025-12-29.

Conditions:
AARS1-related disorder. Also called: AARS1-related condition.
AARS-related disorder. Also called: AARS-related disorders.
Developmental and epileptic encephalopathy, 29 (DEE29). Also called: Epileptic encephalopathy, early infantile, 29. Identifiers: Orphanet 442835, MedGen C4225361, MONDO:0014593, OMIM 616339.
Charcot-Marie-Tooth disease. Also called: Charcot-Marie-Tooth Hereditary Neuropathy; Charcot-Marie-Tooth Neuropathy. Identifiers: Orphanet 166, MedGen C0007959, MONDO:0015626.
Inborn genetic diseases. Identifiers: MedGen C0950123, MeSH D030342.
Charcot-Marie-Tooth disease type 2. Also called: Charcot-Marie-Tooth type 2. Identifiers: Orphanet 64746, MedGen C0270914, MONDO:0018993.
Charcot-Marie-Tooth disease axonal type 2N (CMT2N). Also called: CHARCOT-MARIE-TOOTH DISEASE, AXONAL, AUTOSOMAL DOMINANT, TYPE 2N; CHARCOT-MARIE-TOOTH NEUROPATHY, AXONAL, TYPE 2N; Charcot-Marie-Tooth Neuropathy Type 2N. Identifiers: Orphanet 228174, MedGen C2750090, MONDO:0013212, OMIM 613287.

Allele frequency attached by ClinVar (database versions not stated): gnomAD 0.00004 and 0.00005; ExAC 0.00005; gnomAD exomes 0.00005 and 0.00015; TOPMed 0.00007; ESP Exome Variant Server 0.00008; 1000 Genomes Project 30x 0.00016; 1000 Genomes Project 0.00020.
gnomAD v4.1: 218 of 1,614,142 alleles (0.014%); highest among the groups gnomAD compares: Non-Finnish European, 0.018%; no homozygotes.

Submissions (10):

PreventionGenetics, part of Exact Sciences
Classification: Likely pathogenic for AARS1-related condition. Last evaluated: 2025-12-29. Review status: criteria provided, single submitter. Criteria: ACMG Guidelines, 2015. Collection method: clinical testing. Allele origin: germline.
Comment: The AARS1 c.2251A>G variant is predicted to result in the amino acid substitution p.Arg751Gly. This variant has been reported in the compound heterozygous and homozygous state in individuals with early infantile epileptic encephalopathy (Simons et al. 2015. PubMed ID: 25817015). This variant has been reported in in the compound heterozygous in an individual with acute liver failure (Marten et al. 2020. PubMed ID: 33294374). This variant has also been reported in an individual with autosomal dominant Charcot-Marie-Tooth disease (Table S5, Vaeth et al. 2018. PubMed ID: 29653220). In addition, functional studies indicate this variant impairs the aminoacylation activity of the AARS protein (Simons et al. 2015. PubMed ID: 25817015; Marten et al. 2020. PubMed ID: 33294374). This variant is reported in 0.0093% of alleles in individuals of European (non-Finnish) descent in gnomAD and has conflicting interpretations regarding its pathogenicity in ClinVar, ranging from uncertain to pathogenic (ClinVar ID: 190103). This variant is interpreted as likely pathogenic for autosomal recessive AARS1-related disorders.

Labcorp Genetics (formerly Invitae), Labcorp
Classification: Pathogenic for Charcot-Marie-Tooth disease type 2. Last evaluated: 2025-12-07. Review status: criteria provided, single submitter. Criteria: Invitae Variant Classification Sherloc (09022015). Collection method: clinical testing. Allele origin: germline.
Comment: This sequence change replaces arginine, which is basic and polar, with glycine, which is neutral and non-polar, at codon 751 of the AARS1 protein (p.Arg751Gly). This variant is present in population databases (rs143370729, gnomAD 0.009%). This missense change has been observed in individuals with autosomal recessive epileptic encephalopathy (PMID: 25817015, 33294374). It has also been observed to segregate with disease in related individuals. This variant has been reported in individual(s) with autosomal dominant Charcot-Marie-Tooth disease (PMID: 29653220); however, the role of the variant in this condition is currently unclear. ClinVar contains an entry for this variant (Variation ID: 190103). Invitae Evidence Modeling of protein sequence and biophysical properties (such as structural, functional, and spatial information, amino acid conservation, physicochemical variation, residue mobility, and thermodynamic stability) indicates that this missense variant is expected to disrupt AARS1 protein function with a positive predictive value of 95%. Experimental studies have shown that this missense change affects AARS1 function (PMID: 25817015). For these reasons, this variant has been classified as Pathogenic.

GeneDx
Classification: Likely pathogenic. Last evaluated: 2025-08-08. Review status: criteria provided, single submitter. Criteria: GeneDx Variant Classification Process June 2021. Collection method: clinical testing. Allele origin: germline. Affected: yes.
Comment: In silico analysis supports that this missense variant has a deleterious effect on protein structure/function; This variant is associated with the following publications: (PMID: 33317386, 26670257, 25817015, 27159321, 31775912, 33294374, 34446925, 32376792, 34490615, 29653220, 36991000, 38979321, 40491354, 39487674)

Blueprint Genetics
Classification: Pathogenic for AARS-related disorders. Last evaluated: 2023-06-08. Review status: criteria provided, single submitter. Criteria: ACMG Guidelines, 2015. Collection method: clinical testing. Allele origin: germline. Affected: yes. Observed: 4 variant alleles.

Ambry Genetics
Classification: Uncertain significance for Inborn genetic diseases. Last evaluated: 2022-05-19. Review status: criteria provided, single submitter. Criteria: Ambry Variant Classification Scheme 2023. Collection method: clinical testing. Allele origin: germline.
Comment: The p.R751G variant (also known as c.2251A>G), located in coding exon 15 of the AARS gene, results from an A to G substitution at nucleotide position 2251. The arginine at codon 751 is replaced by glycine, an amino acid with dissimilar properties. This alteration was detected in an individual among a cohort of Charcot-Marie-Tooth disease patients (Vaeth S et al. Eur J Med Genet, 2019 Jan;62:1-8). Furthermore, functional studies showed reduced aminoacylation activity in vitro (Simons C et al. Am J Hum Genet, 2015 Apr;96:675-81). This amino acid position is highly conserved in available vertebrate species. In addition, this alteration is predicted to be deleterious by in silico analysis. However, based on data from gnomAD, the frequency for this variant is above the maximum credible frequency for a disease-causing variant in this gene based on internally established thresholds (Karczewski et al. Nature. 2020 May;581(7809):434-443; Whiffin et al. Genet Med. 2017 10;19:1151-1158). Since supporting evidence is conflicting at this time, the clinical significance of this alteration remains unclear.

Greenwood Genetic Center Diagnostic Laboratories, Greenwood Genetic Center
Classification: Uncertain significance. Last evaluated: 2021-02-15. Review status: criteria provided, single submitter. Criteria: ACMG Guidelines, 2015. Collection method: clinical testing. Allele origin: germline. Affected: yes.
Comment: BS1, PS3_Supporting, PP3, PM1

Molecular Genetics Laboratory, London Health Sciences Centre
Classification: Uncertain significance for Charcot-Marie-Tooth disease. Review status: criteria provided, single submitter. Criteria: ACMG Guidelines, 2015. Collection method: clinical testing. Allele origin: germline. Affected: yes.

Rady Children's Institute for Genomic Medicine, Rady Children's Hospital San Diego
Classification: Likely pathogenic for AARS-related disorders. Review status: criteria provided, single submitter. Criteria: ACMG Guidelines, 2015. Collection method: clinical testing. Allele origin: germline. Affected: yes.
Comment: This variant has been previously reported in heterozygous, compound heterozygous or homozygous state in patients with AARS-related disorders (PMID: 25817015, 33294374, 29653220). It is present in the heterozygous state in the gnomAD population database at a frequency of 0.005% (13/282822) and thus is presumed to be rare. This variant affects a highly conserved amino acid and is predicted by multiple in silico tools to have a deleterious effect on protein function. Experimental studies have shown that this variant reduces the normal function of the AARS protein (PMID: 25817015). Based on the available evidence, the c.2251A>G (p.Arg751Gly) variant is classified as Likely Pathogenic.

Inherited Neuropathy Consortium Ii, University Of Miami
Classification: Uncertain significance for Charcot-Marie-Tooth disease axonal type 2N. Last evaluated: 2017-04-20. Review status: no assertion criteria provided. Collection method: literature only. Allele origin: germline. Affected: yes. Not counted in ClinVar's aggregate classification.

OMIM
Classification: Pathogenic for DEVELOPMENTAL AND EPILEPTIC ENCEPHALOPATHY 29. Last evaluated: 2015-04-02. Review status: no assertion criteria provided. Collection method: literature only. Allele origin: germline. Not counted in ClinVar's aggregate classification.

Literature cited by the submitters: PubMed 25817015 (cited by 3 submitters); PubMed 33294374 (cited by Labcorp Genetics (formerly Invitae), Labcorp); PubMed 29653220 (cited by Labcorp Genetics (formerly Invitae), Labcorp and Ambry Genetics); PubMed 21494555 (cited by Inherited Neuropathy Consortium Ii, University Of Miami).

NM_001605.3(AARS1):c.2251A>G (p.Arg751Gly)

Gene: AARS1 (alanyl-tRNA synthetase 1; minus strand). Cytogenetic location: 16q22.1.
Variant type: single nucleotide variant.
Coding change: c.2251A>G on transcript NM_001605.3 (MANE Select); coding-DNA position 2251, A replaced by G.
Protein change: p.Arg751Gly; replaces arginine 751 with glycine.
Molecular consequence: missense variant.
Genome position (GRCh38, 1-based): chr16:70,255,763, T>C on the plus strand (A>G on the coding strand, the complement: AARS1 is on the minus strand). VCF-style: chr16-70255763-T-C. GRCh37 (hg19) VCF-style: chr16-70289666-T-C.
Other names: short protein forms R751G.
Identifiers: ClinVar variation 190103 (VCV000190103.31), dbSNP rs143370729, ClinGen allele CA199544.
Genomic context (GRCh38, chr16:70,255,763, plus strand): 5'-CCACAAACCAGCCTGACCTGCTCACCTTCTGGGCCTCGGCACCTGTGACAGCCACAATCC[T>C]CCGGATACCCTTGGCAATGGCTTCTTCCGTCACGATCACAAAAGCTCCTGCATGACTCGA-3'
Protein context (NP_001596.2, residues 741-761): TEEAIAKGIR[Arg751Gly]IVAVTGAEAQ